The following is an entry in ClinVar:

NM_015021.3(ZNF292):c.7313C>T (p.Thr2438Met)

Gene: ZNF292 (zinc finger protein 292; plus strand). Cytogenetic location: 6q14.3.
Variant type: single nucleotide variant.
Coding change: c.7313C>T on transcript NM_015021.3 (MANE Select); coding-DNA position 7313, C replaced by T.
Protein change: p.Thr2438Met; replaces threonine 2438 with methionine.
Molecular consequence: missense variant.
Genome position (GRCh38, 1-based): chr6:87,260,942, C>T. VCF-style: chr6-87260942-C-T. GRCh37 (hg19) VCF-style: chr6-87970660-C-T.
Other names: c.6893C>T, p.Thr2298Met (NM_001351444.2); short protein forms T2298M, T2438M.
Identifiers: ClinVar variation 2632117 (VCV002632117.1), dbSNP rs766133508, ClinGen allele CA3914771.

ClinVar aggregate classification (germline): Uncertain significance (1 of 4 stars; one submission).

Conditions:
ZNF292-related disorder. Also called: ZNF292-related condition.

Allele frequency attached by ClinVar (database versions not stated): TOPMed below 0.00001; ExAC 0.00003.
gnomAD v4.1: 11 of 1,610,592 alleles (0.00068%); highest among the groups gnomAD compares: African/African-American, 0.0053%; 1 homozygote.

Submission:

PreventionGenetics, part of Exact Sciences
Classification: Uncertain significance for ZNF292-related condition. Last evaluated: 2023-04-04. Review status: criteria provided, single submitter. Criteria: ACMG Guidelines, 2015. Collection method: clinical testing. Allele origin: germline.
Comment: The ZNF292 c.7313C>T variant is predicted to result in the amino acid substitution p.Thr2438Met. To our knowledge, this variant has not been reported in the literature. This variant is reported in 0.0059% of alleles in individuals of Latino descent in gnomAD. At this time, the clinical significance of this variant is uncertain due to the absence of conclusive functional and genetic evidence.